The following is an entry in ClinVar:

ClinVar aggregate classification (germline): Uncertain significance (1 of 4 stars; one submission).

Submission:

GeneDx
Classification: Uncertain significance. Last evaluated: 2023-08-21. Review status: criteria provided, single submitter. Criteria: GeneDx Variant Classification Process June 2021. Collection method: clinical testing. Allele origin: germline.
Comment: Not observed at significant frequency in large population cohorts (gnomAD); In silico analysis supports that this missense variant does not alter protein structure/function; Has not been previously published as pathogenic or benign to our knowledge

NM_182931.3(KMT2E):c.5176G>A (p.Val1726Ile)

Gene: KMT2E (lysine methyltransferase 2E (inactive); plus strand). Cytogenetic location: 7q22.3.
Variant type: single nucleotide variant.
Coding change: c.5176G>A on transcript NM_182931.3 (MANE Select); coding-DNA position 5176, G replaced by A.
Protein change: p.Val1726Ile; replaces valine 1726 with isoleucine.
Molecular consequence: missense variant.
Genome position (GRCh38, 1-based): chr7:105,112,932, G>A. VCF-style: chr7-105112932-G-A. GRCh37 (hg19) VCF-style: chr7-104753379-G-A.
Other names: c.5050G>A, p.Val1684Ile (NM_001410908.1); c.5176G>A, p.Val1726Ile (NM_018682.4); short protein forms V1684I, V1726I.
Identifiers: ClinVar variation 2499724 (VCV002499724.2), dbSNP rs2536528117, ClinGen allele CA368794476.